The following is an entry in ClinVar:

NM_016734.3(PAX5):c.638C>T (p.Ser213Leu)

Gene: PAX5 (paired box 5; minus strand). Cytogenetic location: 9p13.2.
Variant type: single nucleotide variant.
Coding change: c.638C>T on transcript NM_016734.3 (MANE Select); coding-DNA position 638, C replaced by T.
Protein change: p.Ser213Leu; replaces serine 213 with leucine.
Molecular consequence: missense variant. On other transcripts: non-coding transcript variant (2).
Genome position (GRCh38, 1-based): chr9:36,966,691, G>A on the plus strand (C>T on the coding strand, the complement: PAX5 is on the minus strand). VCF-style: chr9-36966691-G-A. GRCh37 (hg19) VCF-style: chr9-36966688-G-A.
Other names: c.638C>T (NM_016734.2); c.638C>T, p.Ser213Leu (NM_001280547.2, NM_001280548.2, NM_001280549.2 and 2 more transcripts); c.314C>T, p.Ser105Leu (NM_001280551.2, NM_001280556.2); c.509C>T, p.Ser170Leu (NM_001280553.2, NM_001280554.2); c.440C>T, p.Ser147Leu (NM_001280555.2); short protein forms S213L, S105L, S147L, S170L.
Identifiers: ClinVar variation 135001 (VCV000135001.18), dbSNP rs137870876, ClinGen allele CA161367.

ClinVar aggregate classification (germline): Conflicting classifications of pathogenicity. Review status: criteria provided, conflicting classifications (1 of 4 stars). 9 submissions from 9 submitters: Uncertain significance (3); Likely benign (3). 3 of the submissions do not count toward it. Last evaluated 2026-01-21.

Conditions:
Leukemia, acute lymphoblastic, susceptibility to, 3 (ALL3). Identifiers: MedGen C3809874, MONDO:0014241, OMIM 615545.

Allele frequency attached by ClinVar (database versions not stated): gnomAD 0.00063; TOPMed 0.00064; ExAC 0.00066; ESP Exome Variant Server 0.00092.
gnomAD v4.1: 1,617 of 1,614,082 alleles (0.1%); highest among the groups gnomAD compares: Non-Finnish European, 0.13%; 2 homozygotes.

Submissions (9):

Labcorp Genetics (formerly Invitae), Labcorp
Classification: Likely benign. Last evaluated: 2026-01-21. Review status: criteria provided, single submitter. Criteria: Invitae Variant Classification Sherloc (09022015). Collection method: clinical testing. Allele origin: germline.

GeneDx
Classification: Uncertain significance. Last evaluated: 2025-08-27. Review status: criteria provided, single submitter. Criteria: GeneDx Variant Classification Process June 2021. Collection method: clinical testing. Allele origin: germline. Affected: yes.
Comment: In silico analysis supports that this missense variant has a deleterious effect on protein structure/function; Has not been previously published as pathogenic or benign to our knowledge; This variant is associated with the following publications: (PMID: 24728327)

Blueprint Genetics
Classification: Likely benign. Last evaluated: 2024-10-09. Review status: criteria provided, single submitter. Criteria: ACMG Guidelines, 2015. Collection method: clinical testing. Allele origin: germline.

Genetic Services Laboratory, University of Chicago
Classification: Uncertain significance. Last evaluated: 2021-07-08. Review status: criteria provided, single submitter. Criteria: ACMG Guidelines, 2015. Collection method: clinical testing. Allele origin: germline. Affected: no.
Comment: DNA sequence analysis of the PAX5 gene demonstrated a sequence change, c.638C>T, in exon 6 that results in an amino acid change, p.Ser213Leu. This sequence change does not appear to have been previously described in patients with PAX5-related disorders and has been described in the gnomAD database with a frequency of 0.11% in the European sub-population (dbSNP rs137870876). The p.Ser213Leu change affects a highly conserved amino acid residue located in a domain of the PAX5 protein that is not known to be functional. The p.Ser213Leu substitution appears to be deleterious using several in-silico pathogenicity prediction tools (SIFT, PolyPhen2, Align GVGD, REVEL). Due to the lack of functional studies, the clinical significance of the p.Ser213Leu change remains unknown at this time.

Revvity Omics, Revvity
Classification: Uncertain significance. Last evaluated: 2021-03-24. Review status: criteria provided, single submitter. Criteria: ACMG Guidelines, 2015. Collection method: clinical testing. Allele origin: germline.

St. Jude Molecular Pathology, St. Jude Children's Research Hospital
Classification: Likely benign for Leukemia, acute lymphoblastic, susceptibility to, 3. Last evaluated: 2021-02-11. Review status: criteria provided, single submitter. Criteria: St. Jude Assertion Criteria 2020. Collection method: clinical testing. Allele origin: germline.
Comment: The PAX5 c.638C>T (p.Ser213Leu) missense change has a maximum subpopulation frequency of 0.11% in gnomAD v2.1.1. This population frequency is higher than expected for a pathogenic variant in PAX5 causing predisposition to acute lymphoblastic leukemia (BS1). In silico tools are not in agreement about the effect on the gene or protein function and functional studies have not been performed. This variant has been identified in patients without a personal or family history of acute lymphoblastic leukemia (internal data). In summary, this variant meets criteria to be classified as likely benign based on the ACMG/AMP criteria: BS1.

ITMI
No classification provided. Condition: AllHighlyPenetrant. Last evaluated: 2013-09-19. Review status: no classification provided. Collection method: reference population. Allele origin: germline. Not counted in ClinVar's aggregate classification.
Comment: Please see associated publication for description of ethnicities

Clinical Genetics DNA and cytogenetics Diagnostics Lab, Erasmus MC, Erasmus Medical Center
Classification: Uncertain significance. Review status: no assertion criteria provided. Collection method: clinical testing. Allele origin: germline. Affected: yes. Study: VKGL Data-share Consensus. Not counted in ClinVar's aggregate classification.

Diagnostic Laboratory, Department of Genetics, University Medical Center Groningen
Classification: Uncertain significance. Review status: no assertion criteria provided. Collection method: clinical testing. Allele origin: germline. Affected: yes. Study: VKGL Data-share Consensus. Not counted in ClinVar's aggregate classification.

Literature cited by the submitters: PubMed 24728327 (cited by ITMI).